The following is an entry in ClinVar:

NM_025219.3(DNAJC5):c.*4065G>A

Gene: DNAJC5 (DnaJ heat shock protein family (Hsp40) member C5; plus strand). Cytogenetic location: 20q13.33.
Variant type: single nucleotide variant.
Coding change: c.*4065G>A on transcript NM_025219.3 (MANE Select); 4065 bases downstream of the stop codon, G replaced by A.
Molecular consequence: 3 prime UTR variant.
Genome position (GRCh38, 1-based): chr20:63,935,633, G>A. VCF-style: chr20-63935633-G-A. GRCh37 (hg19) VCF-style: chr20-62566986-G-A.
Identifiers: ClinVar variation 339438 (VCV000339438.6), dbSNP rs373099874, ClinGen allele CA10644431.

ClinVar aggregate classification (germline): Benign (1 of 4 stars; one submission).

Conditions:
Ceroid lipofuscinosis, neuronal, 4 (Kufs type) (CLN4). Also called: Neuronal ceroid lipofuscinosis 4B; Ceroid lipofuscinosis, neuronal, 4, Parry type. Identifiers: Orphanet 228343, Orphanet 79262, MedGen C1834207, MONDO:0008083, OMIM 162350.

Allele frequency attached by ClinVar (database versions not stated): gnomAD 0.00075 and 0.00076; TOPMed 0.00077; 1000 Genomes Project 0.00120; 1000 Genomes Project 30x 0.00156.

Submission:

Illumina Laboratory Services, Illumina
Classification: Benign for Ceroid lipofuscinosis, neuronal, 4 (Kufs type). Last evaluated: 2018-01-12. Review status: criteria provided, single submitter. Criteria: ICSL Variant Classification Criteria 13 December 2019. Collection method: clinical testing. Allele origin: germline.
Comment: This variant was observed in the ICSL laboratory as part of a predisposition screen in an ostensibly healthy population. It had not been previously curated by ICSL or reported in the Human Gene Mutation Database (HGMD: prior to June 1st, 2018), and was therefore a candidate for classification through an automated scoring system. Utilizing variant allele frequency, disease prevalence and penetrance estimates, and inheritance mode, an automated score was calculated to assess if this variant is too frequent to cause the disease. Based on the score and internal cut-off values, a variant classified as benign is not then subjected to further curation. The score for this variant resulted in a classification of benign for this disease.